The following is an entry in ClinVar:

ClinVar aggregate classification (germline): Uncertain significance. Review status: criteria provided, multiple submitters, no conflicts (2 of 4 stars). 2 submissions from 2 submitters: Uncertain significance (2). Last evaluated 2023-07-28.

Conditions:
Hereditary cancer-predisposing syndrome. Also called: Neoplastic Syndromes, Hereditary; Hereditary neoplastic syndrome; Tumor predisposition; Hereditary Cancer Syndrome. Identifiers: Orphanet 140162, MedGen C0027672, MeSH D009386, MONDO:0015356.
Oligodontia-cancer predisposition syndrome. Also called: TOOTH AGENESIS-COLORECTAL CANCER SYNDROME. Identifiers: Orphanet 300576, MedGen C1837750, MONDO:0012075, OMIM 608615. Disease mechanism: loss of function.

Submissions (2):

Labcorp Genetics (formerly Invitae), Labcorp
Classification: Uncertain significance for Oligodontia-cancer predisposition syndrome. Last evaluated: 2023-07-28. Review status: criteria provided, single submitter. Criteria: Invitae Variant Classification Sherloc (09022015). Collection method: clinical testing. Allele origin: germline.
Comment: This variant has not been reported in the literature in individuals affected with AXIN2-related conditions. This variant is not present in population databases (gnomAD no frequency). This sequence change replaces aspartic acid, which is acidic and polar, with glutamic acid, which is acidic and polar, at codon 238 of the AXIN2 protein (p.Asp238Glu). In summary, the available evidence is currently insufficient to determine the role of this variant in disease. Therefore, it has been classified as a Variant of Uncertain Significance. Advanced modeling of protein sequence and biophysical properties (such as structural, functional, and spatial information, amino acid conservation, physicochemical variation, residue mobility, and thermodynamic stability) performed at Invitae indicates that this missense variant is not expected to disrupt AXIN2 protein function. ClinVar contains an entry for this variant (Variation ID: 1393597).

Ambry Genetics
Classification: Uncertain significance for Hereditary cancer-predisposing syndrome. Last evaluated: 2022-09-21. Review status: criteria provided, single submitter. Criteria: Ambry Variant Classification Scheme 2023. Collection method: clinical testing. Allele origin: germline.
Comment: The p.D238E variant (also known as c.714C>A), located in coding exon 1 of the AXIN2 gene, results from a C to A substitution at nucleotide position 714. The aspartic acid at codon 238 is replaced by glutamic acid, an amino acid with highly similar properties. This amino acid position is conserved. In addition, the in silico prediction for this alteration is inconclusive. Since supporting evidence is limited at this time, the clinical significance of this alteration remains unclear.

NM_004655.4(AXIN2):c.714C>A (p.Asp238Glu)

Gene: AXIN2 (axin 2; minus strand). Cytogenetic location: 17q24.1.
Variant type: single nucleotide variant.
Coding change: c.714C>A on transcript NM_004655.4 (MANE Select); coding-DNA position 714, C replaced by A.
Protein change: p.Asp238Glu; replaces aspartic acid 238 with glutamic acid.
Molecular consequence: missense variant.
Genome position (GRCh38, 1-based): chr17:65,557,907, G>T on the plus strand (C>A on the coding strand, the complement: AXIN2 is on the minus strand). VCF-style: chr17-65557907-G-T. GRCh37 (hg19) VCF-style: chr17-63554025-G-T.
Other names: c.714C>A, p.Asp238Glu (NM_001363813.1); short protein forms D238E.
Identifiers: ClinVar variation 1393597 (VCV001393597.11), dbSNP rs1598119102, ClinGen allele CA400680424.